The following is an entry in ClinVar:

ClinVar aggregate classification (germline): Uncertain significance (1 of 4 stars; one submission).

Conditions:
Meckel-Gruber syndrome. Also called: Dysencephalia splachnocystica; DYSENCEPHALIA SPLANCHNOCYSTICA; GRUBER SYNDROME. Identifiers: Orphanet 564, MedGen C0265215, MONDO:0018921.
Joubert syndrome. Also called: Familial aplasia of the vermis; JOUBERT-BOLTSHAUSER SYNDROME. Identifiers: Orphanet 475, MedGen C5979921, MONDO:0018772.

Allele frequency attached by ClinVar (database versions not stated): gnomAD 0.00001 and 0.00002; TOPMed 0.00002.
gnomAD v4.1: 9 of 1,612,374 alleles (0.00056%); highest among the groups gnomAD compares: Middle Eastern, 0.017%; no homozygotes.

Submission:

Labcorp Genetics (formerly Invitae), Labcorp
Classification: Uncertain significance for Joubert syndrome; Meckel-Gruber syndrome. Last evaluated: 2025-01-06. Review status: criteria provided, single submitter. Criteria: Invitae Variant Classification Sherloc (09022015). Collection method: clinical testing. Allele origin: germline.
Comment: This sequence change replaces aspartic acid, which is acidic and polar, with asparagine, which is neutral and polar, at codon 1052 of the CC2D2A protein (p.Asp1052Asn). This variant is present in population databases (no rsID available, gnomAD 0.01%). This variant has not been reported in the literature in individuals affected with CC2D2A-related conditions. ClinVar contains an entry for this variant (Variation ID: 569240). Invitae Evidence Modeling of protein sequence and biophysical properties (such as structural, functional, and spatial information, amino acid conservation, physicochemical variation, residue mobility, and thermodynamic stability) indicates that this missense variant is not expected to disrupt CC2D2A protein function with a negative predictive value of 95%. In summary, the available evidence is currently insufficient to determine the role of this variant in disease. Therefore, it has been classified as a Variant of Uncertain Significance.

NM_001378615.1(CC2D2A):c.3154G>A (p.Asp1052Asn)

Genes: CC2D2A (coiled-coil and C2 domain containing 2A; plus strand), FBXL5 (F-box and leucine rich repeat protein 5; minus strand). Cytogenetic location: 4p15.32.
Variant type: single nucleotide variant.
Coding change: c.3154G>A on transcript NM_001378615.1 (MANE Select); coding-DNA position 3154, G replaced by A.
Protein change: p.Asp1052Asn; replaces aspartic acid 1052 with asparagine.
Molecular consequence: missense variant.
Genome position (GRCh38, 1-based): chr4:15,563,494, G>A. VCF-style: chr4-15563494-G-A. GRCh37 (hg19) VCF-style: chr4-15565117-G-A.
Other names: c.3154G>A, p.Asp1052Asn (NM_001080522.2); c.3007G>A, p.Asp1003Asn (NM_001378617.1); short protein forms D1052N, D1003N.
Identifiers: ClinVar variation 569240 (VCV000569240.7), dbSNP rs1055487228, ClinGen allele CA356416209.